The following is an entry in ClinVar:

ClinVar aggregate classification (germline): Uncertain significance (1 of 4 stars; one submission).

Allele frequency attached by ClinVar (database versions not stated): ExAC 0.00002.
gnomAD v4.1: 25 of 1,614,044 alleles (0.0015%); highest among the groups gnomAD compares: East Asian, 0.022%; no homozygotes.

Submission:

Women's Health and Genetics/Laboratory Corporation of America, LabCorp
Classification: Uncertain significance. Last evaluated: 2024-04-05. Review status: criteria provided, single submitter. Criteria: LabCorp Variant Classification Summary - May 2015. Collection method: clinical testing. Allele origin: germline.
Comment: Variant summary: WNT10A c.206G>A (p.Arg69Gln) results in a conservative amino acid change in the encoded protein sequence. Four of five in-silico tools predict a benign effect of the variant on protein function. The variant allele was found at a frequency of 2e-05 in 251386 control chromosomes. The available data on variant occurrences in the general population are insufficient to allow any conclusion about variant significance. To our knowledge, no occurrence of c.206G>A in individuals affected with Odonto-onycho-dermal dysplasia and no experimental evidence demonstrating its impact on protein function have been reported. No submitters have cited clinical-significance assessments for this variant to ClinVar. Based on the evidence outlined above, the variant was classified as uncertain significance.

NM_025216.3(WNT10A):c.206G>A (p.Arg69Gln)

Gene: WNT10A (Wnt family member 10A; plus strand). Cytogenetic location: 2q35.
Variant type: single nucleotide variant.
Coding change: c.206G>A on transcript NM_025216.3 (MANE Select); coding-DNA position 206, G replaced by A.
Protein change: p.Arg69Gln; replaces arginine 69 with glutamine.
Molecular consequence: missense variant.
Genome position (GRCh38, 1-based): chr2:218,882,253, G>A. VCF-style: chr2-218882253-G-A. GRCh37 (hg19) VCF-style: chr2-219746975-G-A.
Other names: short protein forms R69Q.
Identifiers: ClinVar variation 3251508 (VCV003251508.1), dbSNP rs751841151.